The following is an entry in ClinVar:

NM_001323289.2(CDKL5):c.1468G>A (p.Gly490Arg)

Gene: CDKL5 (cyclin dependent kinase like 5; plus strand). Cytogenetic location: Xp22.13.
Variant type: single nucleotide variant.
Coding change: c.1468G>A on transcript NM_001323289.2 (MANE Select); coding-DNA position 1468, G replaced by A.
Protein change: p.Gly490Arg; replaces glycine 490 with arginine.
Molecular consequence: missense variant.
Genome position (GRCh38, 1-based): chrX:18,604,392, G>A. VCF-style: chrX-18604392-G-A. GRCh37 (hg19) VCF-style: chrX-18622512-G-A.
Other names: NM_003159.3:c.1468G>A; c.1468G>A, p.Gly490Arg (NM_001037343.2, NM_003159.3); short protein forms G490R.
Identifiers: ClinVar variation 3775035 (VCV003775035.1).

ClinVar aggregate classification (germline): Uncertain significance (3 of 4 stars; one submission).

Conditions:
CDKL5 disorder. Identifiers: MedGen CN296942, MONDO:0100039.

gnomAD v4.1: 2 of 1,208,527 alleles (0.00017%); highest among the groups gnomAD compares: Admixed American, 0.0022%; no homozygotes.

Submission:

ClinGen Rett and Angelman-like Disorders Variant Curation Expert Panel
Classification: Uncertain significance for CDKL5 disorder. Last evaluated: 2025-02-28. Review status: reviewed by expert panel. Criteria: ClinGen RettAS ACMG Specifications CDKL5 V3.0.0. Collection method: curation. Allele origin: germline. Inheritance: X-linked inheritance.
Comment: The highest population minor allele frequency of the c.1468G>A (p.Gly490Arg) variant in CDKL5 in gnomAD v4.1 is 0.00002 in the Admixed American population (not sufficient to meet BS1 criteria). Computational prediction analysis tools are inconclusive for this variant (REVEL gives a score of 0.408). In summary, the p.Gly490Arg variant in CDKL5 is classified as a Variant of Uncertain Significance based on the ACMG/AMP criteria. (CDKL5 Specifications v3.0; curation approved on 02/28/2025).